The following is an entry in ClinVar:

ClinVar aggregate classification (germline): Likely benign. Review status: criteria provided, single submitter (1 of 4 stars). 2 submissions from 2 submitters: Likely benign (1). 1 of the submissions does not count toward it. Last evaluated 2022-05-01.

Conditions:
SOX8-related disorder. Also called: SOX8-related condition.

Allele frequency attached by ClinVar (database versions not stated): ESP Exome Variant Server 0.00016; TOPMed 0.00030; gnomAD 0.00031; ExAC 0.00037; 1000 Genomes Project 0.00060; 1000 Genomes Project 30x 0.00094.
gnomAD v4.1: 572 of 1,602,088 alleles (0.036%); highest among the groups gnomAD compares: Middle Eastern, 0.12%; no homozygotes.

Submissions (2):

CeGaT Center for Human Genetics Tuebingen
Classification: Likely benign. Last evaluated: 2022-05-01. Review status: criteria provided, single submitter. Criteria: CeGaT Center For Human Genetics Tuebingen Variant Classification Criteria Version 2. Collection method: clinical testing. Allele origin: germline. Affected: yes. Observed: 1 variant allele.
Comment: SOX8: BP4, BP7

PreventionGenetics, part of Exact Sciences
Classification: Likely benign for SOX8-related condition. Last evaluated: 2019-04-26. Review status: no assertion criteria provided. Collection method: clinical testing. Allele origin: germline. Not counted in ClinVar's aggregate classification.
Comment: This variant is classified as likely benign based on ACMG/AMP sequence variant interpretation guidelines (Richards et al. 2015 PMID: 25741868, with internal and published modifications).

NM_014587.5(SOX8):c.891C>T (p.Pro297=)

Gene: SOX8 (SRY-box transcription factor 8; plus strand). Cytogenetic location: 16p13.3.
Variant type: single nucleotide variant.
Coding change: c.891C>T on transcript NM_014587.5 (MANE Select); coding-DNA position 891, C replaced by T.
Protein change: p.Pro297=; no amino-acid change (proline 297 retained).
Molecular consequence: synonymous variant.
Genome position (GRCh38, 1-based): chr16:984,936, C>T. VCF-style: chr16-984936-C-T. GRCh37 (hg19) VCF-style: chr16-1034936-C-T.
Other names: c.891C>T (NM_014587.4).
Identifiers: ClinVar variation 2645873 (VCV002645873.25), dbSNP rs112373912, ClinGen allele CA7798271.
Genomic context (GRCh38, chr16:984,936, plus strand): 5'-GGACGCCTTCGACGTCCACGAGTTCGACCAGTACCTGCCCCTGGGCGGCCCCGCCCCACC[C>T]GAGCCGGGCCAGGCCTATGGGGGCGCCTACTTCCACGCCGGGGCGTCCCCCGTGTGGGCC-3'
Protein context (NP_055402.2, residues 287-307): QYLPLGGPAP[Pro297=]EPGQAYGGAY